The following is an entry in ClinVar:

NM_000037.4(ANK1):c.98G>A (p.Arg33Gln)

Gene: ANK1 (ankyrin 1; minus strand). Cytogenetic location: 8p11.21.
Variant type: single nucleotide variant.
Coding change: c.98G>A on transcript NM_000037.4 (MANE Select); coding-DNA position 98, G replaced by A.
Protein change: p.Arg33Gln; replaces arginine 33 with glutamine.
Molecular consequence: missense variant.
Genome position (GRCh38, 1-based): chr8:41,758,067, C>T on the plus strand (G>A on the coding strand, the complement: ANK1 is on the minus strand). VCF-style: chr8-41758067-C-T. GRCh37 (hg19) VCF-style: chr8-41615585-C-T.
Other names: c.197G>A, p.Arg66Gln (NM_001142446.2); c.98G>A, p.Arg33Gln (NM_020475.3, NM_020476.3, NM_020477.3); short protein forms R33Q, R66Q.
Identifiers: ClinVar variation 1919976 (VCV001919976.5), dbSNP rs747402381, ClinGen allele CA4729094.

ClinVar aggregate classification (germline): Uncertain significance (1 of 4 stars; one submission).

Allele frequency attached by ClinVar (database versions not stated): gnomAD exomes 0.00002; ExAC 0.00005.
gnomAD v4.1: 25 of 1,614,190 alleles (0.0015%); highest among the groups gnomAD compares: South Asian, 0.021%; 1 homozygote.

Submission:

Labcorp Genetics (formerly Invitae), Labcorp
Classification: Uncertain significance. Last evaluated: 2022-10-21. Review status: criteria provided, single submitter. Criteria: Invitae Variant Classification Sherloc (09022015). Collection method: clinical testing. Allele origin: germline.
Comment: In summary, the available evidence is currently insufficient to determine the role of this variant in disease. Therefore, it has been classified as a Variant of Uncertain Significance. Algorithms developed to predict the effect of missense changes on protein structure and function output the following: SIFT: "Deleterious"; PolyPhen-2: "Benign"; Align-GVGD: "Class C0". The glutamine amino acid residue is found in multiple mammalian species, which suggests that this missense change does not adversely affect protein function. This variant has not been reported in the literature in individuals affected with ANK1-related conditions. This variant is present in population databases (rs747402381, gnomAD 0.03%). This sequence change replaces arginine, which is basic and polar, with glutamine, which is neutral and polar, at codon 33 of the ANK1 protein (p.Arg33Gln).